The following is an entry in ClinVar:

NM_005908.4(MANBA):c.1471G>A (p.Glu491Lys)

Gene: MANBA (mannosidase beta; minus strand). Cytogenetic location: 4q24.
Variant type: single nucleotide variant.
Coding change: c.1471G>A on transcript NM_005908.4 (MANE Select); coding-DNA position 1471, G replaced by A.
Protein change: p.Glu491Lys; replaces glutamic acid 491 with lysine.
Molecular consequence: missense variant.
Genome position (GRCh38, 1-based): chr4:102,664,699, C>T on the plus strand (G>A on the coding strand, the complement: MANBA is on the minus strand). VCF-style: chr4-102664699-C-T. GRCh37 (hg19) VCF-style: chr4-103585856-C-T.
Other names: short protein forms E491K.
Identifiers: ClinVar variation 639822 (VCV000639822.5), dbSNP rs1578882546, ClinGen allele CA357760750.
Genomic context (GRCh38, chr4:102,664,699, plus strand): 5'-TAAAGATACATTCTTAAATTCTACTGCATTAAAAATCATTACTTACTGCCAGTACGAGCT[C>T]TCTGATGTTTTTCACATAGAGTGTCACATAGTCCTTGATGTAGATTGGCCGGTCAGTGAA-3'
Protein context (NP_005899.3, residues 481-501): YVTLYVKNIR[Glu491Lys]LVLAGDKSRP

ClinVar aggregate classification (germline): Uncertain significance (1 of 4 stars; one submission).

Conditions:
Beta-D-mannosidosis (MANSB). Also called: MANNOSIDOSIS, BETA A, LYSOSOMAL; BETA-MANNOSIDASE DEFICIENCY; Beta-Mannosidosis; LYSOSOMAL BETA-MANNOSIDASE DEFICIENCY. Identifiers: Orphanet 118, MedGen C4048196, MONDO:0009562, OMIM 248510.

Allele frequency attached by ClinVar (database versions not stated): gnomAD exomes below 0.00001; TOPMed below 0.00001; gnomAD 0.00002.
gnomAD v4.1: 5 of 1,612,710 alleles (0.00031%); highest among the groups gnomAD compares: Middle Eastern, 0.016%; no homozygotes.

Submission:

Labcorp Genetics (formerly Invitae), Labcorp
Classification: Uncertain significance for Beta-D-mannosidosis. Last evaluated: 2024-02-17. Review status: criteria provided, single submitter. Criteria: Invitae Variant Classification Sherloc (09022015). Collection method: clinical testing. Allele origin: germline.
Comment: This sequence change replaces glutamic acid, which is acidic and polar, with lysine, which is basic and polar, at codon 491 of the MANBA protein (p.Glu491Lys). This variant is not present in population databases (gnomAD no frequency). This variant has not been reported in the literature in individuals affected with MANBA-related conditions. ClinVar contains an entry for this variant (Variation ID: 639822). Advanced modeling of protein sequence and biophysical properties (such as structural, functional, and spatial information, amino acid conservation, physicochemical variation, residue mobility, and thermodynamic stability) performed at Invitae indicates that this missense variant is not expected to disrupt MANBA protein function with a negative predictive value of 80%. In summary, the available evidence is currently insufficient to determine the role of this variant in disease. Therefore, it has been classified as a Variant of Uncertain Significance.